The following is an entry in ClinVar:

NM_000020.3(ACVRL1):c.158T>C (p.Val53Ala)

Gene: ACVRL1 (activin A receptor like type 1; plus strand). Cytogenetic location: 12q13.13.
Variant type: single nucleotide variant.
Coding change: c.158T>C on transcript NM_000020.3 (MANE Select); coding-DNA position 158, T replaced by C.
Protein change: p.Val53Ala; replaces valine 53 with alanine.
Molecular consequence: missense variant.
Genome position (GRCh38, 1-based): chr12:51,913,195, T>C. VCF-style: chr12-51913195-T-C. GRCh37 (hg19) VCF-style: chr12-52306979-T-C.
Other names: p.Val53Ala; c.158T>C, p.Val53Ala (NM_001077401.2, NM_001406487.1, NM_001406488.1 and 6 more transcripts); short protein forms V53A.
Identifiers: ClinVar variation 1775896 (VCV001775896.5), dbSNP rs2540158554, ClinGen allele CA384897754.

ClinVar aggregate classification (germline): Conflicting classifications of pathogenicity. Review status: criteria provided, conflicting classifications (1 of 4 stars). 3 submissions from 3 submitters: Likely pathogenic (1); Uncertain significance (2). Last evaluated 2025-08-11.

Conditions:
Cardiovascular phenotype. Identifiers: MedGen CN230736.
Telangiectasia, hereditary hemorrhagic, type 2 (HHT2). Also called: ACVRL1-Related Hereditary Hemorrhagic Telangiectasia; Telangiectasia, hereditary hemorrhagic, type II. Identifiers: Orphanet 774, MedGen C1838163, MONDO:0010880, OMIM 600376. Disease mechanism: loss of function.

Submissions (3):

Labcorp Genetics (formerly Invitae), Labcorp
Classification: Likely pathogenic for Telangiectasia, hereditary hemorrhagic, type 2. Last evaluated: 2025-08-11. Review status: criteria provided, single submitter. Criteria: Invitae Variant Classification Sherloc (09022015). Collection method: clinical testing. Allele origin: germline.
Comment: This sequence change replaces valine, which is neutral and non-polar, with alanine, which is neutral and non-polar, at codon 53 of the ACVRL1 protein (p.Val53Ala). This variant is not present in population databases (gnomAD no frequency). This missense change has been observed in individual(s) with clinical features of hereditary hemorrhagic telangiectasia (internal data). It has also been observed to segregate with disease in related individuals. ClinVar contains an entry for this variant (Variation ID: 1775896). An algorithm developed to predict the effect of missense changes on protein structure and function outputs the following: PolyPhen-2: "Benign". The alanine amino acid residue is found in multiple mammalian species, which suggests that this missense change does not adversely affect protein function. In summary, the currently available evidence indicates that the variant is pathogenic, but additional data are needed to prove that conclusively. Therefore, this variant has been classified as Likely Pathogenic.

Mayo Clinic Laboratories, Mayo Clinic
Classification: Uncertain significance. Last evaluated: 2022-07-25. Review status: criteria provided, single submitter. Criteria: ACMG Guidelines, 2015. Collection method: clinical testing. Allele origin: germline. Observed: 1 variant allele.
Comment: PM2_supporting

Ambry Genetics
Classification: Uncertain significance for Cardiovascular phenotype. Last evaluated: 2016-10-26. Review status: criteria provided, single submitter. Criteria: Ambry Variant Classification Scheme 2023. Collection method: clinical testing. Allele origin: germline.
Comment: The p.V53A variant (also known as c.158T>C), located in coding exon 2 of the ACVRL1 gene, results from a T to C substitution at nucleotide position 158. The valine at codon 53 is replaced by alanine, an amino acid with similar properties. This variant was not reported in population based cohorts in the following databases: Database of Single Nucleotide Polymorphisms (dbSNP), NHLBI Exome Sequencing Project (ESP), and 1000 Genomes Project. In the ESP, this variant was not observed in 6488 samples (12976 alleles) with coverage at this position. This amino acid position is well conserved in available vertebrate species. In addition, the in silico prediction for this alteration is inconclusive. Since supporting evidence is limited at this time, the clinical significance of this alteration remains unclear.